The following is an entry in ClinVar:

NM_001113378.2(FANCI):c.121A>G (p.Lys41Glu)

Gene: FANCI (FA complementation group I; plus strand). Cytogenetic location: 15q26.1.
Variant type: single nucleotide variant.
Coding change: c.121A>G on transcript NM_001113378.2 (MANE Select); coding-DNA position 121, A replaced by G.
Protein change: p.Lys41Glu; replaces lysine 41 with glutamic acid.
Molecular consequence: missense variant. On other transcripts: 5 prime UTR variant (1).
Genome position (GRCh38, 1-based): chr15:89,258,740, A>G. VCF-style: chr15-89258740-A-G. GRCh37 (hg19) VCF-style: chr15-89801971-A-G.
Other names: c.-159A>G (NM_001376910.1); c.121A>G, p.Lys41Glu (NM_001376911.1, NM_018193.3); short protein forms K41E.
Identifiers: ClinVar variation 3577871 (VCV003577871.3).

ClinVar aggregate classification (germline): Uncertain significance. Review status: criteria provided, multiple submitters, no conflicts (2 of 4 stars). 2 submissions from 2 submitters: Uncertain significance (2). Last evaluated 2024-10-30.

Conditions:
Fanconi anemia (FA). Also called: Fanconi's anemia. Identifiers: Orphanet 84, MedGen C0015625, MeSH D005199, MONDO:0019391.
Fanconi anemia complementation group I (FANCI). Also called: FANCI-Related Fanconi Anemia. Identifiers: Orphanet 84, MedGen C1836861, MONDO:0012186, OMIM 609053.

gnomAD v4.1: 37 of 1,613,654 alleles (0.0023%); highest among the groups gnomAD compares: Non-Finnish European, 0.0031%; no homozygotes.

Submissions (2):

Labcorp Genetics (formerly Invitae), Labcorp
Classification: Uncertain significance for Fanconi anemia. Last evaluated: 2024-10-30. Review status: criteria provided, single submitter. Criteria: Invitae Variant Classification Sherloc (09022015). Collection method: clinical testing. Allele origin: germline.
Comment: This sequence change replaces lysine, which is basic and polar, with glutamic acid, which is acidic and polar, at codon 41 of the FANCI protein (p.Lys41Glu). This variant is not present in population databases (gnomAD no frequency). This variant has not been reported in the literature in individuals affected with FANCI-related conditions. An algorithm developed to predict the effect of missense changes on protein structure and function outputs the following: PolyPhen-2: "Benign". The glutamic acid amino acid residue is found in multiple mammalian species, which suggests that this missense change does not adversely affect protein function. In summary, the available evidence is currently insufficient to determine the role of this variant in disease. Therefore, it has been classified as a Variant of Uncertain Significance.

Fulgent Genetics
Classification: Uncertain significance for Fanconi anemia complementation group I. Last evaluated: 2024-06-01. Review status: criteria provided, single submitter. Criteria: ACMG Guidelines, 2015. Collection method: clinical testing. Allele origin: germline.